The following is an entry in ClinVar:

NM_080732.4(EGLN2):c.266G>C (p.Arg89Pro)

Genes: EGLN2 (egl-9 family hypoxia inducible factor 2; plus strand), RAB4B-EGLN2 (RAB4B-EGLN2 readthrough (NMD candidate); plus strand). Cytogenetic location: 19q13.2.
Variant type: single nucleotide variant.
Coding change: c.266G>C on transcript NM_080732.4 (MANE Select); coding-DNA position 266, G replaced by C.
Protein change: p.Arg89Pro; replaces arginine 89 with proline.
Molecular consequence: missense variant. On other transcripts: non-coding transcript variant (1).
Genome position (GRCh38, 1-based): chr19:40,800,838, G>C. VCF-style: chr19-40800838-G-C. GRCh37 (hg19) VCF-style: chr19-41306743-G-C.
Other names: c.266G>C, p.Arg89Pro (NM_053046.4); short protein forms R89P.
Identifiers: ClinVar variation 1794538 (VCV001794538.2), dbSNP rs113016705, ClinGen allele CA405954896.

ClinVar aggregate classification (germline): Uncertain significance (1 of 4 stars; one submission).

Submission:

Ambry Genetics
Classification: Uncertain significance. Last evaluated: 2022-08-09. Review status: criteria provided, single submitter. Criteria: Ambry Variant Classification Scheme 2023. Collection method: clinical testing. Allele origin: germline.
Comment: The p.R89P variant (also known as c.266G>C), located in coding exon 1 of the EGLN2 gene, results from a G to C substitution at nucleotide position 266. The arginine at codon 89 is replaced by proline, an amino acid with dissimilar properties. This amino acid position is conserved. In addition, this alteration is predicted to be tolerated by in silico analysis. Since supporting evidence is limited at this time, the clinical significance of this alteration remains unclear.